The following is an entry in ClinVar:

ClinVar aggregate classification (germline): Likely benign. Review status: criteria provided, single submitter (1 of 4 stars). 3 submissions from 3 submitters: Likely benign (1). 2 of the submissions do not count toward it. Last evaluated 2024-03-01.

Conditions:
Retinitis pigmentosa 37 (RP37). Identifiers: Orphanet 791, MedGen C1970163, MONDO:0012625, OMIM 611131.
Enhanced S-cone syndrome (ESCS). Identifiers: Orphanet 53540, MedGen C1849394, MONDO:0100288, MONDO:0009989.
NR2E3-related disorder. Also called: NR2E3-related disorders; NR2E3-related condition. Identifiers: MedGen CN239387.

Allele frequency attached by ClinVar (database versions not stated): gnomAD 0.00001; gnomAD exomes 0.00001; TOPMed 0.00001; ExAC 0.00005.
gnomAD v4.1: 9 of 1,595,640 alleles (0.00056%); highest among the groups gnomAD compares: East Asian, 0.02%; no homozygotes.

Submissions (3):

Labcorp Genetics (formerly Invitae), Labcorp
Classification: Likely benign. Last evaluated: 2024-03-01. Review status: criteria provided, single submitter. Criteria: Invitae Variant Classification Sherloc (09022015). Collection method: clinical testing. Allele origin: germline.

PreventionGenetics, part of Exact Sciences
Classification: Likely benign for NR2E3-related condition. Last evaluated: 2021-05-21. Review status: no assertion criteria provided. Collection method: clinical testing. Allele origin: germline. Not counted in ClinVar's aggregate classification.
Comment: This variant is classified as likely benign based on ACMG/AMP sequence variant interpretation guidelines (Richards et al. 2015 PMID: 25741868, with internal and published modifications).

Counsyl
Classification: Likely benign for Retinitis pigmentosa 37; ENHANCED S-CONE SYNDROME 1. Last evaluated: 2018-04-04. Review status: no assertion criteria provided. Collection method: clinical testing. Allele origin: unknown. Not counted in ClinVar's aggregate classification.

NM_014249.4(NR2E3):c.183C>T (p.Ile61=)

Gene: NR2E3 (nuclear receptor subfamily 2 group E member 3; plus strand). Cytogenetic location: 15q23.
Variant type: single nucleotide variant.
Coding change: c.183C>T on transcript NM_014249.4 (MANE Select); coding-DNA position 183, C replaced by T.
Protein change: p.Ile61=; no amino-acid change (isoleucine 61 retained).
Molecular consequence: synonymous variant.
Genome position (GRCh38, 1-based): chr15:71,811,547, C>T. VCF-style: chr15-71811547-C-T. GRCh37 (hg19) VCF-style: chr15-72103887-C-T.
Other names: c.183C>T, p.Ile61= (NM_016346.4); c.183C>T (NM_014249.3).
Identifiers: ClinVar variation 557608 (VCV000557608.14), dbSNP rs771404428, ClinGen allele CA7640237.